The following is an entry in ClinVar:

NM_005633.4(SOS1):c.548T>C (p.Ile183Thr)

Gene: SOS1 (SOS Ras/Rac guanine nucleotide exchange factor 1; minus strand). Cytogenetic location: 2p22.1.
Variant type: single nucleotide variant.
Coding change: c.548T>C on transcript NM_005633.4 (MANE Select); coding-DNA position 548, T replaced by C.
Protein change: p.Ile183Thr; replaces isoleucine 183 with threonine.
Molecular consequence: missense variant.
Genome position (GRCh38, 1-based): chr2:39,054,786, A>G on the plus strand (T>C on the coding strand, the complement: SOS1 is on the minus strand). VCF-style: chr2-39054786-A-G. GRCh37 (hg19) VCF-style: chr2-39281927-A-G.
Other names: c.527T>C, p.Ile176Thr (NM_001382394.1); c.548T>C, p.Ile183Thr (NM_001382395.1); short protein forms I183T, I176T.
Identifiers: ClinVar variation 1466293 (VCV001466293.11), dbSNP rs772569423, ClinGen allele CA1624763.

ClinVar aggregate classification (germline): Uncertain significance. Review status: criteria provided, multiple submitters, no conflicts (2 of 4 stars). 4 submissions from 3 submitters: Uncertain significance (4). Last evaluated 2025-12-24.

Conditions:
Cardiovascular phenotype. Identifiers: MedGen CN230736.
Fibromatosis, gingival, 1 (GINGF1). Identifiers: Orphanet 2024, MedGen C4551558, MONDO:0007609, OMIM 135300.
RASopathy. Also called: Noonan spectrum disorder; rasopathies. Identifiers: Orphanet 536391, MedGen C5555857, MONDO:0021060.
Noonan syndrome 4 (NS4). Also called: SOS1-Related Noonan Syndrome; NOONAN SYNDROME WITH PIGMENTED VILLONODULAR SYNOVITIS. Identifiers: Orphanet 648, MedGen C1853120, MONDO:0012547, OMIM 610733.

Allele frequency attached by ClinVar (database versions not stated): gnomAD exomes below 0.00001; ExAC 0.00001.
gnomAD v4.1: 2 of 1,552,044 alleles (0.00013%); highest among the groups gnomAD compares: South Asian, 0.0022%; no homozygotes.

Submissions (4):

Labcorp Genetics (formerly Invitae), Labcorp
Classification: Uncertain significance for RASopathy. Last evaluated: 2025-12-24. Review status: criteria provided, single submitter. Criteria: Invitae Variant Classification Sherloc (09022015). Collection method: clinical testing. Allele origin: germline.
Comment: This sequence change replaces isoleucine, which is neutral and non-polar, with threonine, which is neutral and polar, at codon 183 of the SOS1 protein (p.Ile183Thr). This variant is present in population databases (rs772569423, gnomAD 0.003%). This variant has not been reported in the literature in individuals affected with SOS1-related conditions. ClinVar contains an entry for this variant (Variation ID: 1466293). Invitae Evidence Modeling of protein sequence and biophysical properties (such as structural, functional, and spatial information, amino acid conservation, physicochemical variation, residue mobility, and thermodynamic stability) indicates that this missense variant is expected to disrupt SOS1 protein function with a positive predictive value of 80%. In summary, the available evidence is currently insufficient to determine the role of this variant in disease. Therefore, it has been classified as a Variant of Uncertain Significance.

Ambry Genetics
Classification: Uncertain significance for Cardiovascular phenotype. Last evaluated: 2022-09-26. Review status: criteria provided, single submitter. Criteria: Ambry Variant Classification Scheme 2023. Collection method: clinical testing. Allele origin: germline.
Comment: The p.I183T variant (also known as c.548T>C), located in coding exon 5 of the SOS1 gene, results from a T to C substitution at nucleotide position 548. The isoleucine at codon 183 is replaced by threonine, an amino acid with similar properties. This amino acid position is conserved. In addition, the in silico prediction for this alteration is inconclusive. Since supporting evidence is limited at this time, the clinical significance of this alteration remains unclear.

Genome-Nilou Lab
Classification: Uncertain significance for Noonan syndrome 4. Review status: criteria provided, single submitter. Criteria: ACMG Guidelines, 2015. Collection method: clinical testing. Allele origin: germline.

Genome-Nilou Lab
Classification: Uncertain significance for Fibromatosis, gingival, 1. Review status: criteria provided, single submitter. Criteria: ACMG Guidelines, 2015. Collection method: clinical testing. Allele origin: germline.